The following is an entry in ClinVar:

ClinVar aggregate classification (germline): Uncertain significance (1 of 4 stars; one submission).

Conditions:
Brugada syndrome 8 (BRGDA8). Identifiers: Orphanet 130, MedGen C2751083, MONDO:0013148, OMIM 613123.

Allele frequency attached by ClinVar (database versions not stated): gnomAD exomes below 0.00001.
gnomAD v4.1: 1 of 1,614,080 alleles (0.000062%); highest among the groups gnomAD compares: Middle Eastern, 0.016%; no homozygotes.

Submission:

Labcorp Genetics (formerly Invitae), Labcorp
Classification: Uncertain significance for Brugada syndrome 8. Last evaluated: 2023-12-11. Review status: criteria provided, single submitter. Criteria: Invitae Variant Classification Sherloc (09022015). Collection method: clinical testing. Allele origin: germline.
Comment: This sequence change replaces isoleucine, which is neutral and non-polar, with valine, which is neutral and non-polar, at codon 296 of the HCN4 protein (p.Ile296Val). This variant is not present in population databases (gnomAD no frequency). This variant has not been reported in the literature in individuals affected with HCN4-related conditions. ClinVar contains an entry for this variant (Variation ID: 2170534). Advanced modeling of protein sequence and biophysical properties (such as structural, functional, and spatial information, amino acid conservation, physicochemical variation, residue mobility, and thermodynamic stability) has been performed at Invitae for this missense variant, however the output from this modeling did not meet the statistical confidence thresholds required to predict the impact of this variant on HCN4 protein function. In summary, the available evidence is currently insufficient to determine the role of this variant in disease. Therefore, it has been classified as a Variant of Uncertain Significance.

NM_005477.3(HCN4):c.886A>G (p.Ile296Val)

Genes: HCN4 (hyperpolarization activated cyclic nucleotide gated potassium channel 4; minus strand), LOC105370890 (uncharacterized LOC105370890; plus strand), LOC126862173 (CDK7 strongly-dependent group 2 enhancer GRCh37_chr15:73635762-73636961; plus strand). Cytogenetic location: 15q24.1.
Variant type: single nucleotide variant.
Coding change: c.886A>G on transcript NM_005477.3 (MANE Select); coding-DNA position 886, A replaced by G.
Protein change: p.Ile296Val; replaces isoleucine 296 with valine.
Molecular consequence: missense variant.
Genome position (GRCh38, 1-based): chr15:73,343,708, T>C on the plus strand (A>G on the coding strand, the complement: HCN4 is on the minus strand). VCF-style: chr15-73343708-T-C. GRCh37 (hg19) VCF-style: chr15-73636049-T-C.
Other names: short protein forms I296V.
Identifiers: ClinVar variation 2170534 (VCV002170534.4), dbSNP rs2549074854, ClinGen allele CA393095326.